The following is an entry in ClinVar:

ClinVar aggregate classification (germline): Uncertain significance (1 of 4 stars; one submission).

Conditions:
Early-onset Lafora body disease. Also called: Epilepsy, progressive myoclonic, 10. Identifiers: Orphanet 324290, MedGen C4225258, MONDO:0014717, OMIM 616640.

Submission:

Labcorp Genetics (formerly Invitae), Labcorp
Classification: Uncertain significance for Early-onset Lafora body disease. Last evaluated: 2024-05-15. Review status: criteria provided, single submitter. Criteria: Invitae Variant Classification Sherloc (09022015). Collection method: clinical testing. Allele origin: germline.
Comment: This sequence change replaces glycine, which is neutral and non-polar, with arginine, which is basic and polar, at codon 489 of the PRDM8 protein (p.Gly489Arg). This variant is not present in population databases (gnomAD no frequency). This variant has not been reported in the literature in individuals affected with PRDM8-related conditions. ClinVar contains an entry for this variant (Variation ID: 2111018). An algorithm developed to predict the effect of missense changes on protein structure and function (PolyPhen-2) suggests that this variant is likely to be disruptive. In summary, the available evidence is currently insufficient to determine the role of this variant in disease. Therefore, it has been classified as a Variant of Uncertain Significance.

NM_001099403.2(PRDM8):c.1465G>C (p.Gly489Arg)

Genes: PRDM8 (PR/SET domain 8; plus strand), LOC129992745 (ATAC-STARR-seq lymphoblastoid silent region 15522; plus strand). Cytogenetic location: 4q21.21.
Variant type: single nucleotide variant.
Coding change: c.1465G>C on transcript NM_001099403.2 (MANE Select); coding-DNA position 1465, G replaced by C.
Protein change: p.Gly489Arg; replaces glycine 489 with arginine.
Molecular consequence: missense variant.
Genome position (GRCh38, 1-based): chr4:80,202,927, G>C. VCF-style: chr4-80202927-G-C. GRCh37 (hg19) VCF-style: chr4-81124081-G-C.
Other names: c.1465G>C, p.Gly489Arg (NM_020226.4); short protein forms G489R.
Identifiers: ClinVar variation 2111018 (VCV002111018.4), dbSNP rs1310667127, ClinGen allele CA357400877.